The following is an entry in ClinVar:

NM_003283.6(TNNT1):c.536G>A (p.Arg179Gln)

Gene: TNNT1 (troponin T1, slow skeletal type; minus strand). Cytogenetic location: 19q13.42.
Variant type: single nucleotide variant.
Coding change: c.536G>A on transcript NM_003283.6 (MANE Select); coding-DNA position 536, G replaced by A.
Protein change: p.Arg179Gln; replaces arginine 179 with glutamine.
Molecular consequence: missense variant.
Genome position (GRCh38, 1-based): chr19:55,137,178, C>T on the plus strand (G>A on the coding strand, the complement: TNNT1 is on the minus strand). VCF-style: chr19-55137178-C-T. GRCh37 (hg19) VCF-style: chr19-55648546-C-T.
Other names: c.536G>A, p.Arg179Gln (NM_001126132.3); c.503G>A, p.Arg168Gln (NM_001126133.3, NM_001291774.2); short protein forms R168Q, R179Q.
Identifiers: ClinVar variation 1514871 (VCV001514871.3), dbSNP rs2147244813, ClinGen allele CA407432753.

ClinVar aggregate classification (germline): Uncertain significance (1 of 4 stars; one submission).

Conditions:
Nemaline myopathy 5 (NEM5A). Also called: Nemaline myopathy 5, Amish type; NEMALINE MYOPATHY, AMISH TYPE; NEMALINE MYOPATHY 5A, AUTOSOMAL RECESSIVE, SEVERE INFANTILE. Identifiers: Orphanet 98902, MedGen C1854380, MONDO:0011539, OMIM 605355.

Allele frequency attached by ClinVar (database versions not stated): gnomAD exomes 0.00001.
gnomAD v4.1: 9 of 1,613,584 alleles (0.00056%); highest among the groups gnomAD compares: African/African-American, 0.0013%; no homozygotes.

Submission:

Labcorp Genetics (formerly Invitae), Labcorp
Classification: Uncertain significance for Nemaline myopathy 5. Last evaluated: 2022-06-27. Review status: criteria provided, single submitter. Criteria: Invitae Variant Classification Sherloc (09022015). Collection method: clinical testing. Allele origin: germline.
Comment: This sequence change replaces arginine, which is basic and polar, with glutamine, which is neutral and polar, at codon 179 of the TNNT1 protein (p.Arg179Gln). This variant is not present in population databases (gnomAD no frequency). This variant has not been reported in the literature in individuals affected with TNNT1-related conditions. Algorithms developed to predict the effect of missense changes on protein structure and function are either unavailable or do not agree on the potential impact of this missense change (SIFT: "Tolerated"; PolyPhen-2: "Probably Damaging"; Align-GVGD: "Class C0"). In summary, the available evidence is currently insufficient to determine the role of this variant in disease. Therefore, it has been classified as a Variant of Uncertain Significance.